The following is an entry in ClinVar:

NM_001042492.3(NF1):c.5959C>G (p.Gln1987Glu)

Gene: NF1 (neurofibromin 1; plus strand). Cytogenetic location: 17q11.2.
Variant type: single nucleotide variant.
Coding change: c.5959C>G on transcript NM_001042492.3 (MANE Select); coding-DNA position 5959, C replaced by G.
Protein change: p.Gln1987Glu; replaces glutamine 1987 with glutamic acid.
Molecular consequence: missense variant.
Genome position (GRCh38, 1-based): chr17:31,334,984, C>G. VCF-style: chr17-31334984-C-G. GRCh37 (hg19) VCF-style: chr17-29662002-C-G.
Other names: c.5896C>G, p.Gln1966Glu (NM_000267.4); short protein forms Q1966E, Q1987E.
Identifiers: ClinVar variation 231282 (VCV000231282.12), dbSNP rs876659070, ClinGen allele CA10580362.

ClinVar aggregate classification (germline): Uncertain significance. Review status: criteria provided, multiple submitters, no conflicts (2 of 4 stars). 5 submissions from 4 submitters: Uncertain significance (5). Last evaluated 2026-01-31.

Conditions:
Cardiovascular phenotype. Identifiers: MedGen CN230736.
Hereditary cancer-predisposing syndrome. Also called: Tumor predisposition; Hereditary neoplastic syndrome; Hereditary Cancer Syndrome; Neoplastic Syndromes, Hereditary. Identifiers: Orphanet 140162, MedGen C0027672, MeSH D009386, MONDO:0015356.
Neurofibromatosis, type 1 (NF1). Also called: VON RECKLINGHAUSEN DISEASE; Peripheral type neurofibromatosis; NEUROFIBROMATOSIS, TYPE I, SOMATIC; Neurofibromatosis, type I. Identifiers: Orphanet 636, MedGen C0027831, MONDO:0018975, OMIM 162200. Disease mechanism: loss of function.

Submissions (5):

GeneDx
Classification: Uncertain significance. Last evaluated: 2026-01-31. Review status: criteria provided, single submitter. Criteria: GeneDx Variant Classification Process June 2021. Collection method: clinical testing. Allele origin: germline.
Comment: Not observed at significant frequency in large population cohorts (gnomAD); In silico analysis suggests that this missense variant does not alter protein structure/function; Has not been previously published as pathogenic or benign to our knowledge

Labcorp Genetics (formerly Invitae), Labcorp
Classification: Uncertain significance for Neurofibromatosis, type 1. Last evaluated: 2026-01-04. Review status: criteria provided, single submitter. Criteria: Invitae Variant Classification Sherloc (09022015). Collection method: clinical testing. Allele origin: germline.
Comment: This sequence change replaces glutamine, which is neutral and polar, with glutamic acid, which is acidic and polar, at codon 1966 of the NF1 protein (p.Gln1966Glu). This variant is not present in population databases (gnomAD no frequency). This variant has not been reported in the literature in individuals affected with NF1-related conditions. ClinVar contains an entry for this variant (Variation ID: 231282). Invitae Evidence Modeling of protein sequence and biophysical properties (such as structural, functional, and spatial information, amino acid conservation, physicochemical variation, residue mobility, and thermodynamic stability) has been performed for this missense variant. However, the output from this modeling did not meet the statistical confidence thresholds required to predict the impact of this variant on NF1 protein function. In summary, the available evidence is currently insufficient to determine the role of this variant in disease. Therefore, it has been classified as a Variant of Uncertain Significance.

Genome-Nilou Lab
Classification: Uncertain significance for Neurofibromatosis, type 1. Last evaluated: 2022-03-15. Review status: criteria provided, single submitter. Criteria: ACMG Guidelines, 2015. Collection method: clinical testing. Allele origin: germline. Affected: no.

Ambry Genetics
Classification: Uncertain significance for Cardiovascular phenotype; Hereditary cancer-predisposing syndrome. Last evaluated: 2019-02-12. Review status: criteria provided, single submitter. Criteria: Ambry Variant Classification Scheme 2023. Collection method: clinical testing. Allele origin: germline.

Ambry Genetics
Classification: Uncertain significance for Hereditary cancer-predisposing syndrome. Last evaluated: 2015-04-15. Review status: criteria provided, single submitter. Criteria: Ambry Autosomal Dominant and X-Linked criteria (10/2015). Collection method: clinical testing. Allele origin: germline. Observed: 1 variant allele.
Comment: The p.Q1987E variant (also known as c.5959C>G), located in coding exon 40 of the NF1 gene, results from a C to G substitution at nucleotide position 5959. The glutamine at codon 1987 is replaced by glutamic acid, an amino acid with highly similar properties. This variant was not reported in population based cohorts in the following databases: Database of Single Nucleotide Polymorphisms (dbSNP), NHLBI Exome Sequencing Project (ESP), and 1000 Genomes Project. In the ESP, this variant was not observed in 6503 samples (13006 alleles) with coverage at this position.To date, this alteration has been detected with an allele frequency of approximately 0.003% (greater than 30000alleles tested) in our clinical cohort.This amino acid position is highly conserved in available vertebrate species. In addition, the in silico prediction for this alteration is inconclusive.Since supporting evidence is limited at this time, the clinical significance of p.Q1987Eremains unclear.